The following is an entry in ClinVar:

NM_020884.7(MYH7B):c.1146G>A (p.Glu382=)

Gene: MYH7B (myosin heavy chain 7B; plus strand). Cytogenetic location: 20q11.22.
Variant type: single nucleotide variant.
Coding change: c.1146G>A on transcript NM_020884.7 (MANE Select); coding-DNA position 1146, G replaced by A.
Protein change: p.Glu382=; no amino-acid change (glutamic acid 382 retained).
Molecular consequence: synonymous variant.
Genome position (GRCh38, 1-based): chr20:34,987,286, G>A. VCF-style: chr20-34987286-G-A. GRCh37 (hg19) VCF-style: chr20-33575089-G-A.
Other names: c.1272G>A (NM_020884.4).
Identifiers: ClinVar variation 2652269 (VCV002652269.28), dbSNP rs202049379, ClinGen allele CA9826813.
Genomic context (GRCh38, chr20:34,987,286, plus strand): 5'-TGGCAACATGAAGTTCAAGCAGAAGCAGCGGGAGGAGCAGGCGGAGGCCGATGGCACTGA[G>A]AGTGAGGGGCCCTAACCTGGCCTTCAACTTGACCCAGACCTCAGCATCCTGTCCATGATG-3'
Protein context (NP_065935.4, residues 372-392): REEQAEADGT[Glu382=]SADKAAYLMG

ClinVar aggregate classification (germline): Conflicting classifications of pathogenicity. Review status: criteria provided, conflicting classifications (1 of 4 stars). 3 submissions from 3 submitters: Uncertain significance (1); Likely benign (2). Last evaluated 2025-06-26.

Conditions:
MYH7B-related disorder. Also called: MYH7B-related condition.

Allele frequency attached by ClinVar (database versions not stated): ESP Exome Variant Server 0.00008; ExAC 0.00022; TOPMed 0.00025; gnomAD 0.00027.
gnomAD v4.1: 574 of 1,610,460 alleles (0.036%); highest among the groups gnomAD compares: Non-Finnish European, 0.046%; no homozygotes.

Submissions (3):

PreventionGenetics, part of Exact Sciences
Classification: Likely benign for MYH7B-related condition. Last evaluated: 2025-06-26. Review status: criteria provided, single submitter. Criteria: ACMG Guidelines, 2015. Collection method: clinical testing. Allele origin: germline.
Comment: This variant is classified as likely benign based on ACMG/AMP sequence variant interpretation guidelines (Richards et al. 2015 PMID: 25741868, with internal and published modifications).

Labcorp Genetics (formerly Invitae), Labcorp
Classification: Uncertain significance. Last evaluated: 2025-05-05. Review status: criteria provided, single submitter. Criteria: Invitae Variant Classification Sherloc (09022015). Collection method: clinical testing. Allele origin: germline.
Comment: This sequence change affects codon 424 of the MYH7B mRNA. It is a 'silent' change, meaning that it does not change the encoded amino acid sequence of the MYH7B protein. It affects a nucleotide within the consensus splice site. This variant is present in population databases (rs202049379, gnomAD 0.04%). This variant has not been reported in the literature in individuals affected with MYH7B-related conditions. ClinVar contains an entry for this variant (Variation ID: 2652269). Algorithms developed to predict the effect of sequence changes on RNA splicing suggest that this variant is not likely to affect RNA splicing. In summary, the available evidence is currently insufficient to determine the role of this variant in disease. Therefore, it has been classified as a Variant of Uncertain Significance.

CeGaT Center for Human Genetics Tuebingen
Classification: Likely benign. Last evaluated: 2022-07-01. Review status: criteria provided, single submitter. Criteria: CeGaT Center For Human Genetics Tuebingen Variant Classification Criteria Version 2. Collection method: clinical testing. Allele origin: germline. Affected: yes. Observed: 1 variant allele.
Comment: MYH7B: BP4, BP7